The following is an entry in ClinVar:

NM_130839.5(UBE3A):c.2216A>G (p.Asn739Ser)

Genes: SNHG14 (small nucleolar RNA host gene 14; plus strand), UBE3A (ubiquitin protein ligase E3A; minus strand). Cytogenetic location: 15q11.2.
Variant type: single nucleotide variant.
Coding change: c.2216A>G on transcript NM_130839.5 (MANE Select); coding-DNA position 2216, A replaced by G.
Protein change: p.Asn739Ser; replaces asparagine 739 with serine.
Molecular consequence: missense variant. On other transcripts: non-coding transcript variant (1), intron variant (3).
Genome position (GRCh38, 1-based): chr15:25,354,592, T>C on the plus strand (A>G on the coding strand, the complement: UBE3A is on the minus strand). VCF-style: chr15-25354592-T-C. GRCh37 (hg19) VCF-style: chr15-25599739-T-C.
Other names: c.2225A>G, p.Asn742Ser (NM_000462.5); c.2216A>G, p.Asn739Ser (NM_001354505.1, NM_001354538.2); c.2156A>G, p.Asn719Ser (NM_001354506.2, NM_001354507.2, NM_001354508.2 and 14 more transcripts); c.2039A>G, p.Asn680Ser (NM_001354546.2); c.1991A>G, p.Asn664Ser (NM_001354549.2); c.965A>G, p.Asn322Ser (NM_001354550.2); c.905A>G, p.Asn302Ser (NM_001354551.2); c.2065-166A>G (NM_001354548.2, NM_001354547.2); and 1 more; short protein forms N322S, N719S, N739S, N742S, N302S, N664S, N680S.
Identifiers: ClinVar variation 1412267 (VCV001412267.6), dbSNP rs778808533, ClinGen allele CA7435417.

ClinVar aggregate classification (germline): Uncertain significance (1 of 4 stars; one submission).

Conditions:
Angelman syndrome (AS). Also called: HAPPY PUPPET SYNDROME. Identifiers: Orphanet 72, MedGen C0162635, MONDO:0007113, OMIM 105830. Disease mechanism: loss of function. Inheritance: AS is caused by disruption of maternally imprinted UBE3A located within the 15q11.2-q13 Angelman syndrome/Prader-Willi syndrome (AS/PWS) region., imprinting disorder.

Allele frequency attached by ClinVar (database versions not stated): ExAC 0.00001; gnomAD exomes 0.00001 and below 0.00001.

Submission:

Labcorp Genetics (formerly Invitae), Labcorp
Classification: Uncertain significance for Angelman syndrome. Last evaluated: 2023-11-08. Review status: criteria provided, single submitter. Criteria: Invitae Variant Classification Sherloc (09022015). Collection method: clinical testing. Allele origin: germline.
Comment: This sequence change replaces asparagine, which is neutral and polar, with serine, which is neutral and polar, at codon 719 of the UBE3A protein (p.Asn719Ser). This variant is present in population databases (rs778808533, gnomAD 0.006%). This variant has not been reported in the literature in individuals affected with UBE3A-related conditions. ClinVar contains an entry for this variant (Variation ID: 1412267). Advanced modeling of protein sequence and biophysical properties (such as structural, functional, and spatial information, amino acid conservation, physicochemical variation, residue mobility, and thermodynamic stability) has been performed at Invitae for this missense variant, however the output from this modeling did not meet the statistical confidence thresholds required to predict the impact of this variant on UBE3A protein function. In summary, the available evidence is currently insufficient to determine the role of this variant in disease. Therefore, it has been classified as a Variant of Uncertain Significance.